The following is an entry in ClinVar:

ClinVar aggregate classification (germline): Uncertain significance (1 of 4 stars; one submission).

Conditions:
Inborn genetic diseases. Identifiers: MedGen C0950123, MeSH D030342.

gnomAD v4.1: 10 of 1,612,786 alleles (0.00062%); highest among the groups gnomAD compares: South Asian, 0.0066%; no homozygotes.

Submission:

Ambry Genetics
Classification: Uncertain significance for Inborn genetic diseases. Last evaluated: 2025-07-15. Review status: criteria provided, single submitter. Criteria: Ambry Variant Classification Scheme 2023. Collection method: clinical testing. Allele origin: germline.
Comment: The p.D570E variant (also known as c.1710T>A), located in coding exon 17 of the ANKRD26 gene, results from a T to A substitution at nucleotide position 1710. The aspartic acid at codon 570 is replaced by glutamic acid, an amino acid with highly similar properties. This amino acid position is conserved. In addition, this alteration is predicted to be tolerated by in silico analysis. Based on the available evidence, the clinical significance of this variant remains unclear.

NM_014915.3(ANKRD26):c.1710T>A (p.Asp570Glu)

Gene: ANKRD26 (ankyrin repeat domain containing 26; minus strand). Cytogenetic location: 10p12.1.
Variant type: single nucleotide variant.
Coding change: c.1710T>A on transcript NM_014915.3 (MANE Select); coding-DNA position 1710, T replaced by A.
Protein change: p.Asp570Glu; replaces aspartic acid 570 with glutamic acid.
Molecular consequence: missense variant.
Genome position (GRCh38, 1-based): chr10:27,048,905, A>T on the plus strand (T>A on the coding strand, the complement: ANKRD26 is on the minus strand). VCF-style: chr10-27048905-A-T. GRCh37 (hg19) VCF-style: chr10-27337834-A-T.
Other names: c.1710T>A, p.Asp570Glu (NM_001256053.2); short protein forms D570E.
Identifiers: ClinVar variation 4103542 (VCV004103542.1).
Genomic context (GRCh38, chr10:27,048,905, plus strand): 5'-AGTTTCTCCACTCTTTCTTTTTTGAATTAATCCATCATCATCATCATCATCTTCAGCATC[A>T]TCAGTAGCACCATCATGTATGTTTGCTGATACTTCCATTTCATTATTTCTGTGTTTTTTC-3'
Protein context (NP_055730.2, residues 560-580): VSANIHDGAT[Asp570Glu]DAEDDDDDDG